The following is an entry in ClinVar:

ClinVar aggregate classification (germline): Uncertain significance (1 of 4 stars; one submission).

Conditions:
Familial thoracic aortic aneurysm and aortic dissection (TAAD). Also called: Thoracic aortic aneurysms and dissections. Identifiers: Orphanet 91387, MedGen C4707243, MONDO:0019625.

Submission:

Labcorp Genetics (formerly Invitae), Labcorp
Classification: Uncertain significance for Familial thoracic aortic aneurysm and aortic dissection. Last evaluated: 2024-05-09. Review status: criteria provided, single submitter. Criteria: Invitae Variant Classification Sherloc (09022015). Collection method: clinical testing. Allele origin: germline.
Comment: This variant, c.301_303del, results in the deletion of 1 amino acid(s) of the SMAD3 protein (p.His101del), but otherwise preserves the integrity of the reading frame. This variant is not present in population databases (gnomAD no frequency). This variant has been observed in individual(s) with aortic aneurysm (Invitae). Experimental studies and prediction algorithms are not available or were not evaluated, and the functional significance of this variant is currently unknown. This variant disrupts a region of the SMAD3 protein in which other variant(s) (p.His101Gln) have been observed in individuals with SMAD3-related conditions (Invitae). This suggests that this is a clinically significant region of the protein, and that variants that disrupt it are likely to be disease-causing. In summary, the available evidence is currently insufficient to determine the role of this variant in disease. Therefore, it has been classified as a Variant of Uncertain Significance.

NM_005902.4(SMAD3):c.298CAC[1] (p.His101del)

Gene: SMAD3 (SMAD family member 3; plus strand). Cytogenetic location: 15q22.33.
Variant type: Microsatellite.
Coding change: c.298CAC[1] on transcript NM_005902.4 (MANE Select); one copy of the 3-base unit CAC starting at c.298; the reference has two copies in a row; one copy, 3 bases deleted.
Protein change: p.His101del; deletes histidine 101.
Molecular consequence: inframe deletion. On other transcripts: 5 prime UTR variant (3).
Genome position (GRCh38, 1-based): chr15:67,164,989-67,164,991, CAC deleted; deleting any 3 consecutive bases within chr15:67,164,985-67,164,991 gives the same sequence; the position shown is the placement nearest the transcript's 3' end. VCF-style (leftmost placement, unchanged base first): chr15-67164984-GCCA-G. GRCh37 (hg19) VCF-style: chr15-67457322-GCCA-G.
Other names: c.-18CAC[1] (NM_001145102.2, NM_001407015.1, NM_001407016.1); c.166CAC[1], p.His57del (NM_001145103.2); c.298CAC[1], p.His101del (NM_001407011.1, NM_001407012.1, NM_001407013.1); c.151CAC[1], p.His52del (NM_001407014.1); short protein forms H52del, H101del, H57del.
Identifiers: ClinVar variation 2738599 (VCV002738599.3), dbSNP rs2505210173, ClinGen allele CA2697549140.